The following is an entry in ClinVar:

NM_020458.4(TTC7A):c.476T>C (p.Leu159Pro)

Gene: TTC7A (tetratricopeptide repeat domain 7A; plus strand). Cytogenetic location: 2p21.
Variant type: single nucleotide variant.
Coding change: c.476T>C on transcript NM_020458.4 (MANE Select); coding-DNA position 476, T replaced by C.
Protein change: p.Leu159Pro; replaces leucine 159 with proline.
Molecular consequence: missense variant. On other transcripts: 5 prime UTR variant (1).
Genome position (GRCh38, 1-based): chr2:46,956,966, T>C. VCF-style: chr2-46956966-T-C. GRCh37 (hg19) VCF-style: chr2-47184105-T-C.
Other names: c.476T>C (NM_020458.2, NM_020458.3); c.476T>C, p.Leu159Pro (NM_001288951.2); c.374T>C, p.Leu125Pro (NM_001288953.2); c.-429T>C (NM_001288955.2); short protein forms L125P, L159P.
Identifiers: ClinVar variation 1525049 (VCV001525049.8), dbSNP rs775149640, ClinGen allele CA1647168.

ClinVar aggregate classification (germline): Uncertain significance. Review status: criteria provided, multiple submitters, no conflicts (2 of 4 stars). 3 submissions from 3 submitters: Uncertain significance (3). Last evaluated 2024-12-18.

Conditions:
TTC7A-related disorder. Also called: TTC7A-related condition.
Inborn genetic diseases. Identifiers: MedGen C0950123, MeSH D030342.
Multiple gastrointestinal atresias. Also called: FAMILIAL INTESTINAL POLYATRESIA SYNDROME; Multiple intestinal atresia. Identifiers: Orphanet 2300, MedGen C0220744, MONDO:0009465.

Allele frequency attached by ClinVar (database versions not stated): ExAC 0.00001; gnomAD exomes 0.00001; gnomAD 0.00004; TOPMed 0.00005.
gnomAD v4.1: 13 of 1,614,050 alleles (0.00081%); highest among the groups gnomAD compares: Admixed American, 0.015%; no homozygotes.

Submissions (3):

PreventionGenetics, part of Exact Sciences
Classification: Uncertain significance for TTC7A-related condition. Last evaluated: 2024-12-18. Review status: criteria provided, single submitter. Criteria: ACMG Guidelines, 2015. Collection method: clinical testing. Allele origin: germline.
Comment: The TTC7A c.476T>C variant is predicted to result in the amino acid substitution p.Leu159Pro. To our knowledge, this variant has not been reported in the literature. This variant is reported in 0.0056% of alleles in individuals of Latino descent in gnomAD. At this time, the clinical significance of this variant is uncertain due to the absence of conclusive functional and genetic evidence.

Labcorp Genetics (formerly Invitae), Labcorp
Classification: Uncertain significance for Multiple gastrointestinal atresias. Last evaluated: 2024-07-29. Review status: criteria provided, single submitter. Criteria: Invitae Variant Classification Sherloc (09022015). Collection method: clinical testing. Allele origin: germline.
Comment: This sequence change replaces leucine, which is neutral and non-polar, with proline, which is neutral and non-polar, at codon 159 of the TTC7A protein (p.Leu159Pro). This variant is present in population databases (rs775149640, gnomAD 0.006%). This variant has not been reported in the literature in individuals affected with TTC7A-related conditions. ClinVar contains an entry for this variant (Variation ID: 1525049). Advanced modeling of protein sequence and biophysical properties (such as structural, functional, and spatial information, amino acid conservation, physicochemical variation, residue mobility, and thermodynamic stability) performed at Invitae indicates that this missense variant is not expected to disrupt TTC7A protein function with a negative predictive value of 80%. In summary, the available evidence is currently insufficient to determine the role of this variant in disease. Therefore, it has been classified as a Variant of Uncertain Significance.

Ambry Genetics
Classification: Uncertain significance for Inborn genetic diseases. Last evaluated: 2024-04-12. Review status: criteria provided, single submitter. Criteria: Ambry Variant Classification Scheme 2023. Collection method: clinical testing. Allele origin: germline.